The following is an entry in ClinVar:

ClinVar aggregate classification (germline): Uncertain significance (1 of 4 stars; one submission).

Conditions:
Hyperkalemic periodic paralysis. Also called: Familial hyperkalemic periodic paralysis; Gamstorp disease. Identifiers: Orphanet 682, MedGen C0238357, MONDO:0008224, OMIM 170500, HP:0007215.

gnomAD v4.1: 2 of 1,613,422 alleles (0.00012%); no homozygotes.

Submission:

Labcorp Genetics (formerly Invitae), Labcorp
Classification: Uncertain significance for Hyperkalemic periodic paralysis. Last evaluated: 2023-07-10. Review status: criteria provided, single submitter. Criteria: Invitae Variant Classification Sherloc (09022015). Collection method: clinical testing. Allele origin: germline.
Comment: This sequence change replaces alanine, which is neutral and non-polar, with serine, which is neutral and polar, at codon 1114 of the SCN4A protein (p.Ala1114Ser). This variant is not present in population databases (gnomAD no frequency). This variant has not been reported in the literature in individuals affected with SCN4A-related conditions. Advanced modeling of protein sequence and biophysical properties (such as structural, functional, and spatial information, amino acid conservation, physicochemical variation, residue mobility, and thermodynamic stability) has been performed at Invitae for this missense variant, however the output from this modeling did not meet the statistical confidence thresholds required to predict the impact of this variant on SCN4A protein function. In summary, the available evidence is currently insufficient to determine the role of this variant in disease. Therefore, it has been classified as a Variant of Uncertain Significance.

NM_000334.4(SCN4A):c.3340G>T (p.Ala1114Ser)

Genes: GH-LCR (growth hormone locus control region; plus strand), SCN4A (sodium voltage-gated channel alpha subunit 4; minus strand). Cytogenetic location: 17q23.3.
Variant type: single nucleotide variant.
Coding change: c.3340G>T on transcript NM_000334.4 (MANE Select); coding-DNA position 3340, G replaced by T.
Protein change: p.Ala1114Ser; replaces alanine 1114 with serine.
Molecular consequence: missense variant.
Genome position (GRCh38, 1-based): chr17:63,947,146, C>A on the plus strand (G>T on the coding strand, the complement: SCN4A is on the minus strand). VCF-style: chr17-63947146-C-A. GRCh37 (hg19) VCF-style: chr17-62024506-C-A.
Other names: short protein forms A1114S.
Identifiers: ClinVar variation 2729022 (VCV002729022.3), dbSNP rs1351210489, ClinGen allele CA400620750.